The following is an entry in ClinVar:

NM_001291303.3(FAT4):c.3680C>T (p.Thr1227Ile)

Gene: FAT4 (FAT atypical cadherin 4; plus strand). Cytogenetic location: 4q28.1.
Variant type: single nucleotide variant.
Coding change: c.3680C>T on transcript NM_001291303.3 (MANE Select); coding-DNA position 3680, C replaced by T.
Protein change: p.Thr1227Ile; replaces threonine 1227 with isoleucine.
Molecular consequence: missense variant.
Genome position (GRCh38, 1-based): chr4:125,320,091, C>T. VCF-style: chr4-125320091-C-T. GRCh37 (hg19) VCF-style: chr4-126241246-C-T.
Other names: c.3680C>T, p.Thr1227Ile (NM_001291285.3, NM_024582.6); short protein forms T1227I.
Identifiers: ClinVar variation 1498232 (VCV001498232.8), dbSNP rs2125943745, ClinGen allele CA358124512.

ClinVar aggregate classification (germline): Uncertain significance (1 of 4 stars; one submission).

Submission:

Labcorp Genetics (formerly Invitae), Labcorp
Classification: Uncertain significance. Last evaluated: 2021-12-02. Review status: criteria provided, single submitter. Criteria: Invitae Variant Classification Sherloc (09022015). Collection method: clinical testing. Allele origin: germline.
Comment: This sequence change replaces threonine, which is neutral and polar, with isoleucine, which is neutral and non-polar, at codon 1227 of the FAT4 protein (p.Thr1227Ile). This variant is not present in population databases (gnomAD no frequency). This variant has not been reported in the literature in individuals affected with FAT4-related conditions. Algorithms developed to predict the effect of missense changes on protein structure and function (SIFT, PolyPhen-2, Align-GVGD) all suggest that this variant is likely to be disruptive. In summary, the available evidence is currently insufficient to determine the role of this variant in disease. Therefore, it has been classified as a Variant of Uncertain Significance.